The following is an entry in ClinVar:

NM_018344.6(SLC29A3):c.385G>A (p.Val129Ile)

Gene: SLC29A3 (solute carrier family 29 member 3; plus strand). Cytogenetic location: 10q22.1.
Variant type: single nucleotide variant.
Coding change: c.385G>A on transcript NM_018344.6 (MANE Select); coding-DNA position 385, G replaced by A.
Protein change: p.Val129Ile; replaces valine 129 with isoleucine.
Molecular consequence: missense variant. On other transcripts: non-coding transcript variant (1).
Genome position (GRCh38, 1-based): chr10:71,351,563, G>A. VCF-style: chr10-71351563-G-A. GRCh37 (hg19) VCF-style: chr10-73111320-G-A.
Other names: c.385G>A, p.Val129Ile (NM_001174098.2); c.151G>A, p.Val51Ile (NM_001363518.2); short protein forms V129I, V51I.
Identifiers: ClinVar variation 300359 (VCV000300359.9), dbSNP rs768974539, ClinGen allele CA5542925.

ClinVar aggregate classification (germline): Uncertain significance. Review status: criteria provided, multiple submitters, no conflicts (2 of 4 stars). 2 submissions from 2 submitters: Uncertain significance (2). Last evaluated 2025-01-20.

Conditions:
H syndrome. Also called: HISTIOCYTOSIS AND LYMPHADENOPATHY WITH OR WITHOUT CUTANEOUS, CARDIAC, AND/OR ENDOCRINE FEATURES, JOINT CONTRACTURES, AND/OR DEAFNESS; HYPERPIGMENTATION, CUTANEOUS, WITH HYPERTRICHOSIS, HEPATOSPLENOMEGALY, HEART ANOMALIES, AND HYPOGONADISM WITH OR WITHOUT HEARING LOSS; PIGMENTED HYPERTRICHOSIS WITH INSULIN-DEPENDENT DIABETES MELLITUS; ROSAI-DORFMAN DISEASE, FAMILIAL; SINUS HISTIOCYTOSIS AND MASSIVE LYMPHADENOPATHY; Hyperpigmentation, Cutaneous, with Hypertrichosis, Hepatosplenomegaly, Heart Anomalies, Hearing Loss, and Hypogonadism. Identifiers: Orphanet 168569, MedGen C1864445, MONDO:0011273, OMIM 602782.

Allele frequency attached by ClinVar (database versions not stated): TOPMed 0.00001; gnomAD exomes 0.00003 and 0.00007; ExAC 0.00011.

Submissions (2):

Labcorp Genetics (formerly Invitae), Labcorp
Classification: Uncertain significance for H syndrome. Last evaluated: 2025-01-20. Review status: criteria provided, single submitter. Criteria: Invitae Variant Classification Sherloc (09022015). Collection method: clinical testing. Allele origin: germline.
Comment: This sequence change replaces valine, which is neutral and non-polar, with isoleucine, which is neutral and non-polar, at codon 129 of the SLC29A3 protein (p.Val129Ile). This variant is present in population databases (rs768974539, gnomAD 0.03%). This variant has not been reported in the literature in individuals affected with SLC29A3-related conditions. ClinVar contains an entry for this variant (Variation ID: 300359). Invitae Evidence Modeling of protein sequence and biophysical properties (such as structural, functional, and spatial information, amino acid conservation, physicochemical variation, residue mobility, and thermodynamic stability) indicates that this missense variant is not expected to disrupt SLC29A3 protein function with a negative predictive value of 95%. In summary, the available evidence is currently insufficient to determine the role of this variant in disease. Therefore, it has been classified as a Variant of Uncertain Significance.

Illumina Laboratory Services, Illumina
Classification: Uncertain significance for H syndrome. Last evaluated: 2018-01-13. Review status: criteria provided, single submitter. Criteria: ICSL Variant Classification Criteria 13 December 2019. Collection method: clinical testing. Allele origin: germline.